The following is an entry in ClinVar:

NM_024529.5(CDC73):c.1264A>T (p.Thr422Ser)

Gene: CDC73 (cell division cycle 73; plus strand). Cytogenetic location: 1q31.2.
Variant type: single nucleotide variant.
Coding change: c.1264A>T on transcript NM_024529.5 (MANE Select); coding-DNA position 1264, A replaced by T.
Protein change: p.Thr422Ser; replaces threonine 422 with serine.
Molecular consequence: missense variant.
Genome position (GRCh38, 1-based): chr1:193,233,102, A>T. VCF-style: chr1-193233102-A-T. GRCh37 (hg19) VCF-style: chr1-193202232-A-T.
Other names: short protein forms T422S.
Identifiers: ClinVar variation 4741703 (VCV004741703.1).

ClinVar aggregate classification (germline): Uncertain significance (1 of 4 stars; one submission).

Conditions:
Parathyroid carcinoma (PRTC). Also called: CDC73-Related Parathyroid Carcinoma; Parathyroid gland carcinoma. Identifiers: Orphanet 143, MedGen C0687150, MONDO:0012004, OMIM 608266, HP:0006780.

Submission:

Labcorp Genetics (formerly Invitae), Labcorp
Classification: Uncertain significance for Parathyroid carcinoma. Last evaluated: 2025-08-06. Review status: criteria provided, single submitter. Criteria: Invitae Variant Classification Sherloc (09022015). Collection method: clinical testing. Allele origin: germline.
Comment: This sequence change replaces threonine, which is neutral and polar, with serine, which is neutral and polar, at codon 422 of the CDC73 protein (p.Thr422Ser). This variant is not present in population databases (gnomAD no frequency). This variant has not been reported in the literature in individuals affected with CDC73-related conditions. Invitae Evidence Modeling of protein sequence and biophysical properties (such as structural, functional, and spatial information, amino acid conservation, physicochemical variation, residue mobility, and thermodynamic stability) indicates that this missense variant is not expected to disrupt CDC73 protein function with a negative predictive value of 80%. In summary, the available evidence is currently insufficient to determine the role of this variant in disease. Therefore, it has been classified as a Variant of Uncertain Significance.